The following is an entry in ClinVar:

NM_004260.4(RECQL4):c.2563T>A (p.Cys855Ser)

Gene: RECQL4 (RecQ like helicase 4; minus strand). Cytogenetic location: 8q24.3.
Variant type: single nucleotide variant.
Coding change: c.2563T>A on transcript NM_004260.4 (MANE Select); coding-DNA position 2563, T replaced by A.
Protein change: p.Cys855Ser; replaces cysteine 855 with serine.
Molecular consequence: missense variant. On other transcripts: non-coding transcript variant (3).
Genome position (GRCh38, 1-based): chr8:144,513,039, A>T on the plus strand (T>A on the coding strand, the complement: RECQL4 is on the minus strand). VCF-style: chr8-144513039-A-T. GRCh37 (hg19) VCF-style: chr8-145738422-A-T.
Other names: c.1492T>A, p.Cys498Ser (NM_001413034.1, NM_001413035.1, NM_001413040.1 and 5 more transcripts); c.2563T>A, p.Cys855Ser (NM_001413036.1, NM_001413019.1); c.1360T>A, p.Cys454Ser (NM_001413037.1); c.1294T>A, p.Cys432Ser (NM_001413038.1, NM_001413031.1); c.2533T>A, p.Cys845Ser (NM_001413039.1); c.1426T>A, p.Cys476Ser (NM_001413041.1, NM_001413027.1, NM_001413030.1 and 1 more transcripts); c.1462T>A, p.Cys488Ser (NM_001413042.1); c.1096T>A, p.Cys366Ser (NM_001413043.1); and 6 more; short protein forms C366S, C757S, C855S, C498S, C811S, C812S, C432S, C789S.
Identifiers: ClinVar variation 2847299 (VCV002847299.3), dbSNP rs867982056, ClinGen allele CA372677050.

ClinVar aggregate classification (germline): Uncertain significance (1 of 4 stars; one submission).

Conditions:
Baller-Gerold syndrome (BGS). Also called: CRANIOSYNOSTOSIS WITH RADIAL DEFECTS. Identifiers: Orphanet 1225, MedGen C0265308, MONDO:0009039, OMIM 218600.

Submission:

Labcorp Genetics (formerly Invitae), Labcorp
Classification: Uncertain significance for Baller-Gerold syndrome. Last evaluated: 2023-03-19. Review status: criteria provided, single submitter. Criteria: Invitae Variant Classification Sherloc (09022015). Collection method: clinical testing. Allele origin: germline.
Comment: In summary, the available evidence is currently insufficient to determine the role of this variant in disease. Therefore, it has been classified as a Variant of Uncertain Significance. Advanced modeling of protein sequence and biophysical properties (such as structural, functional, and spatial information, amino acid conservation, physicochemical variation, residue mobility, and thermodynamic stability) performed at Invitae indicates that this missense variant is expected to disrupt RECQL4 protein function. This variant has not been reported in the literature in individuals affected with RECQL4-related conditions. This variant is not present in population databases (gnomAD no frequency). This sequence change replaces cysteine, which is neutral and slightly polar, with serine, which is neutral and polar, at codon 855 of the RECQL4 protein (p.Cys855Ser).